The following is an entry in ClinVar:

ClinVar aggregate classification (germline): Uncertain significance (1 of 4 stars; one submission).

Conditions:
Emery-Dreifuss muscular dystrophy 5, autosomal dominant (EDMD5). Also called: EMERY-DREIFUSS MUSCULAR DYSTROPHY 5. Identifiers: Orphanet 261, MedGen C2751805, MONDO:0013072, OMIM 612999.

gnomAD v4.1: 9 of 1,614,134 alleles (0.00056%); highest among the groups gnomAD compares: Middle Eastern, 0.016%; no homozygotes.

Submission:

Labcorp Genetics (formerly Invitae), Labcorp
Classification: Uncertain significance for Emery-Dreifuss muscular dystrophy 5, autosomal dominant. Last evaluated: 2025-04-30. Review status: criteria provided, single submitter. Criteria: Invitae Variant Classification Sherloc (09022015). Collection method: clinical testing. Allele origin: germline.
Comment: This sequence change replaces glutamic acid, which is acidic and polar, with lysine, which is basic and polar, at codon 4569 of the SYNE2 protein (p.Glu4569Lys). This variant is present in population databases (rs777781350, gnomAD 0.003%). This variant has not been reported in the literature in individuals affected with SYNE2-related conditions. An algorithm developed to predict the effect of missense changes on protein structure and function (PolyPhen-2) suggests that this variant is likely to be disruptive. In summary, the available evidence is currently insufficient to determine the role of this variant in disease. Therefore, it has been classified as a Variant of Uncertain Significance.

NM_182914.3(SYNE2):c.13705G>A (p.Glu4569Lys)

Gene: SYNE2 (spectrin repeat containing nuclear envelope protein 2; plus strand). Cytogenetic location: 14q23.2.
Variant type: single nucleotide variant.
Coding change: c.13705G>A on transcript NM_182914.3 (MANE Select); coding-DNA position 13705, G replaced by A.
Protein change: p.Glu4569Lys; replaces glutamic acid 4569 with lysine.
Molecular consequence: missense variant.
Genome position (GRCh38, 1-based): chr14:64,126,477, G>A. VCF-style: chr14-64126477-G-A. GRCh37 (hg19) VCF-style: chr14-64593195-G-A.
Other names: c.13705G>A, p.Glu4569Lys (NM_015180.6); short protein forms E4569K.
Identifiers: ClinVar variation 4799611 (VCV004799611.1).